The following is an entry in ClinVar:

NM_002317.7(LOX):c.740+6G>A

Genes: LOX (lysyl oxidase; minus strand), SRFBP1 (serum response factor binding protein 1; plus strand). Cytogenetic location: 5q23.1.
Variant type: single nucleotide variant.
Coding change: c.740+6G>A on transcript NM_002317.7 (MANE Select); 6 bases into the intron after coding-DNA position 740, G replaced by A.
Molecular consequence: intron variant.
Genome position (GRCh38, 1-based): chr5:122,076,887, C>T on the plus strand (G>A on the coding strand, the complement: LOX is on the minus strand). VCF-style: chr5-122076887-C-T. GRCh37 (hg19) VCF-style: chr5-121412582-C-T.
Other names: p.?; c.50+6G>A (NM_001178102.2); c.-152+205G>A (NM_001317073.1).
Identifiers: ClinVar variation 496154 (VCV000496154.24), dbSNP rs41478244, ClinGen allele CA3383959.

ClinVar aggregate classification (germline): Benign/Likely benign. Review status: criteria provided, multiple submitters, no conflicts (2 of 4 stars). 12 submissions from 12 submitters: Benign (3); Likely benign (6). 3 of the submissions do not count toward it. Last evaluated 2026-03-01.

Conditions:
LOX-related disorder. Also called: LOX-related disorders; LOX-related condition.
Aortic aneurysm, familial thoracic 10 (AAT10). Identifiers: MedGen C4284414, MONDO:0014950, OMIM 617168.

Allele frequency attached by ClinVar (database versions not stated): ESP Exome Variant Server 0.00415; gnomAD 0.00424; TOPMed 0.00443; 1000 Genomes Project 30x 0.00671.
gnomAD v4.1: 1,705 of 1,613,832 alleles (0.11%); highest among the groups gnomAD compares: African/African-American, 1.2%; 6 homozygotes.

Submissions (12):

CeGaT Center for Human Genetics Tuebingen
Classification: Likely benign. Last evaluated: 2026-03-01. Review status: criteria provided, single submitter. Criteria: CeGaT Center For Human Genetics Tuebingen Variant Classification Criteria Version 2. Collection method: clinical testing. Allele origin: germline. Affected: yes. Observed: 1 variant allele.
Comment: LOX: BP4, BS1

Labcorp Genetics (formerly Invitae), Labcorp
Classification: Benign. Last evaluated: 2026-01-18. Review status: criteria provided, single submitter. Criteria: Invitae Variant Classification Sherloc (09022015). Collection method: clinical testing. Allele origin: germline.

ARUP Laboratories, Molecular Genetics and Genomics, ARUP Laboratories
Classification: Likely benign for Aortic aneurysm, familial thoracic 10. Last evaluated: 2025-05-05. Review status: criteria provided, single submitter. Criteria: ARUP Molecular Germline Variant Investigation Process 2024. Collection method: clinical testing. Allele origin: germline.

Molecular Diagnostic Laboratory for Inherited Cardiovascular Disease, Montreal Heart Institute
Classification: Likely benign. Last evaluated: 2025-04-09. Review status: criteria provided, single submitter. Criteria: ACMG Guidelines, 2015. Collection method: clinical testing. Allele origin: germline. Affected: no.
Comment: BS1;BP4

Blueprint Genetics
Classification: Likely benign. Last evaluated: 2024-11-21. Review status: criteria provided, single submitter. Criteria: ACMG Guidelines, 2015. Collection method: clinical testing. Allele origin: germline.

Mayo Clinic Laboratories, Mayo Clinic
Classification: Benign. Last evaluated: 2024-05-08. Review status: criteria provided, single submitter. Criteria: ACMG Guidelines, 2015. Collection method: clinical testing. Allele origin: germline. Observed: 2 variant alleles.
Comment: BS1, BS2, BP4, BP7

GeneDx
Classification: Likely benign. Last evaluated: 2021-03-15. Review status: criteria provided, single submitter. Criteria: GeneDx Variant Classification Process June 2021. Collection method: clinical testing. Allele origin: germline. Affected: yes.

Women's Health and Genetics/Laboratory Corporation of America, LabCorp
Classification: Benign. Last evaluated: 2017-07-14. Review status: criteria provided, single submitter. Criteria: LabCorp Variant Classification Summary - May 2015. Collection method: clinical testing. Allele origin: germline.
Comment: Variant summary: The LOX c.740+6G>A variant involves the alteration of a non-conserved intronic nucleotide. Mutation taster predicts a benign outcome for this variant. 5/5 splice prediction tools predict no significant impact on normal splicing. However, these predictions have yet to be confirmed by functional studies. This variant was found in 188/120994 control chromosomes (1 homozygote) from ExAC, predominantly observed in the African subpopulation at a frequency of 0.012435 (129/10374). This frequency is about 746 times the estimated maximal expected allele frequency of a pathogenic LOX variant (0.0000167), suggesting this is likely a benign polymorphism found primarily in the populations of African origin. To our knowledge, the variant of interest has not been published in affected individuals in literature. Taken together, this variant is classified as benign.

Breakthrough Genomics
Classification: Likely benign. Review status: criteria provided, single submitter. Criteria: ACMG Guidelines, 2015. Collection method: not provided. Allele origin: germline. Inheritance: Autosomal dominant inheritance. Affected: yes.

PreventionGenetics, part of Exact Sciences
Classification: Benign for LOX-related condition. Last evaluated: 2024-06-03. Review status: no assertion criteria provided. Collection method: clinical testing. Allele origin: germline. Not counted in ClinVar's aggregate classification.
Comment: This variant is classified as benign based on ACMG/AMP sequence variant interpretation guidelines (Richards et al. 2015 PMID: 25741868, with internal and published modifications).

Clinical Genetics DNA and cytogenetics Diagnostics Lab, Erasmus MC, Erasmus Medical Center
Classification: Benign. Review status: no assertion criteria provided. Collection method: clinical testing. Allele origin: germline. Affected: yes. Study: VKGL Data-share Consensus. Not counted in ClinVar's aggregate classification.

Genome Diagnostics Laboratory, Amsterdam University Medical Center
Classification: Benign. Review status: no assertion criteria provided. Collection method: clinical testing. Allele origin: germline. Affected: yes. Study: VKGL Data-share Consensus. Not counted in ClinVar's aggregate classification.